The following is an entry in ClinVar:

NM_000046.5(ARSB):c.1208C>G (p.Ser403Ter)

Gene: ARSB (arylsulfatase B; minus strand). Cytogenetic location: 5q14.1.
Variant type: single nucleotide variant.
Coding change: c.1208C>G on transcript NM_000046.5 (MANE Select); coding-DNA position 1208, C replaced by G.
Protein change: p.Ser403Ter; replaces serine 403 with a stop codon.
Molecular consequence: nonsense.
Genome position (GRCh38, 1-based): chr5:78,839,361, G>C on the plus strand (C>G on the coding strand, the complement: ARSB is on the minus strand). VCF-style: chr5-78839361-G-C. GRCh37 (hg19) VCF-style: chr5-78135184-G-C.
Other names: c.1208C>G, p.Ser403Ter (NM_198709.3); short protein forms S403*.
Identifiers: ClinVar variation 559689 (VCV000559689.7), dbSNP rs771296632, ClinGen allele CA360338609.

ClinVar aggregate classification (germline): Pathogenic. Review status: criteria provided, multiple submitters, no conflicts (2 of 4 stars). 3 submissions from 3 submitters: Pathogenic (3). Last evaluated 2024-04-19.

Conditions:
Mucopolysaccharidosis type 6 (MPS6). Also called: N-ACETYLGALACTOSAMINE-4-SULFATASE DEFICIENCY; MPS VI; MPS 6; Maroteaux Lamy syndrome; ARSB DEFICIENCY; ARYLSULFATASE B DEFICIENCY. Identifiers: Orphanet 583, MedGen C0026709, MONDO:0009661, OMIM 253200.

Submissions (3):

Natera, Inc.
Classification: Pathogenic for Mucopolysaccharidosis type VI. Last evaluated: 2024-04-19. Review status: criteria provided, single submitter. Criteria: Natera Variant Classification Schema (03/2026). Collection method: clinical testing. Allele origin: germline.
Comment: The c.1208C>G variant in ARSB is a nonsense variant predicted to introduce a stop codon at amino acid 403. This variant is expected to result in nonsense mediated decay, truncation, or a dysfunctional protein product. This variant is rare in the general population with a frequency below the threshold expected for the associated phenotype(s). This variant has been observed in one or more individuals affected with the associated recessive disease, as either homozygous or compound heterozygous with a second variant (PMID: 30118150, 25190157). Given the available evidence, this variant is classified as Pathogenic.

Labcorp Genetics (formerly Invitae), Labcorp
Classification: Pathogenic for Mucopolysaccharidosis type 6. Last evaluated: 2022-03-11. Review status: criteria provided, single submitter. Criteria: Invitae Variant Classification Sherloc (09022015). Collection method: clinical testing. Allele origin: germline.
Comment: For these reasons, this variant has been classified as Pathogenic. ClinVar contains an entry for this variant (Variation ID: 559689). This premature translational stop signal has been observed in individual(s) with mucopolysaccharidosis type VI (PMID: 25190157). This variant is not present in population databases (gnomAD no frequency). This sequence change creates a premature translational stop signal (p.Ser403*) in the ARSB gene. It is expected to result in an absent or disrupted protein product. Loss-of-function variants in ARSB are known to be pathogenic (PMID: 17458871, 22133300).

Laboratory of Diagnosis and Therapy of Lysosomal Disorders, University of Padova
Classification: Pathogenic for Mucopolysaccharidosis type 6. Last evaluated: 2018-01-01. Review status: criteria provided, single submitter. Criteria: ACMG Guidelines, 2015. Collection method: curation. Allele origin: germline. Affected: yes.
Comment: Nonsense variant (PVS1); Absent from GnomAD (PM2)

Literature cited by the submitters: PubMed 30118150 (cited by Natera, Inc. and Laboratory of Diagnosis and Therapy of Lysosomal Disorders, University of Padova); PubMed 25190157 (cited by 3 submitters); PubMed 17458871 (cited by Labcorp Genetics (formerly Invitae), Labcorp); PubMed 22133300 (cited by Labcorp Genetics (formerly Invitae), Labcorp).